The following is an entry in ClinVar:

NM_001378477.3(NYX):c.380C>T (p.Ala127Val)

Gene: NYX (nyctalopin; plus strand). Cytogenetic location: Xp11.4.
Variant type: single nucleotide variant.
Coding change: c.380C>T on transcript NM_001378477.3 (MANE Select); coding-DNA position 380, C replaced by T.
Protein change: p.Ala127Val; replaces alanine 127 with valine.
Molecular consequence: missense variant.
Genome position (GRCh38, 1-based): chrX:41,473,848, C>T. VCF-style: chrX-41473848-C-T. GRCh37 (hg19) VCF-style: chrX-41333101-C-T.
Other names: c.380C>T, p.Ala127Val (NM_022567.3); short protein forms A127V.
Identifiers: ClinVar variation 1407140 (VCV001407140.8), dbSNP rs770131559, ClinGen allele CA412990075.

ClinVar aggregate classification (germline): Uncertain significance (1 of 4 stars; one submission).

Submission:

Labcorp Genetics (formerly Invitae), Labcorp
Classification: Uncertain significance. Last evaluated: 2021-02-03. Review status: criteria provided, single submitter. Criteria: Invitae Variant Classification Sherloc (09022015). Collection method: clinical testing. Allele origin: germline.
Comment: In summary, the available evidence is currently insufficient to determine the role of this variant in disease. Therefore, it has been classified as a Variant of Uncertain Significance. Algorithms developed to predict the effect of missense changes on protein structure and function output the following: SIFT: "Tolerated"; PolyPhen-2: "Benign"; Align-GVGD: "Class C0". The valine amino acid residue is found in multiple mammalian species, suggesting that this missense change does not adversely affect protein function. These predictions have not been confirmed by published functional studies and their clinical significance is uncertain. This variant has not been reported in the literature in individuals with NYX-related conditions. The frequency data for this variant in the population databases is considered unreliable, as metrics indicate insufficient coverage at this position in the ExAC database. This sequence change replaces alanine with valine at codon 132 of the NYX protein (p.Ala132Val). The alanine residue is moderately conserved and there is a small physicochemical difference between alanine and valine.